The following is an entry in ClinVar:

ClinVar aggregate classification (germline): Uncertain significance (1 of 4 stars; one submission).

Allele frequency attached by ClinVar (database versions not stated): ExAC 0.00002; gnomAD 0.00003 and 0.00004; gnomAD exomes 0.00003 and 0.00006; TOPMed 0.00005.
gnomAD v4.1: 94 of 1,613,874 alleles (0.0058%); highest among the groups gnomAD compares: Non-Finnish European, 0.007%; no homozygotes.

Submission:

Labcorp Genetics (formerly Invitae), Labcorp
Classification: Uncertain significance. Last evaluated: 2022-06-15. Review status: criteria provided, single submitter. Criteria: Invitae Variant Classification Sherloc (09022015). Collection method: clinical testing. Allele origin: germline.
Comment: This sequence change replaces threonine, which is neutral and polar, with methionine, which is neutral and non-polar, at codon 279 of the GORAB protein (p.Thr279Met). This variant is present in population databases (rs200615427, gnomAD 0.009%). This variant has not been reported in the literature in individuals affected with GORAB-related conditions. Algorithms developed to predict the effect of missense changes on protein structure and function are either unavailable or do not agree on the potential impact of this missense change (SIFT: "Deleterious"; PolyPhen-2: "Probably Damaging"; Align-GVGD: "Class C15"). In summary, the available evidence is currently insufficient to determine the role of this variant in disease. Therefore, it has been classified as a Variant of Uncertain Significance.

NM_152281.3(GORAB):c.761C>T (p.Thr254Met)

Gene: GORAB (golgin, RAB6 interacting; plus strand). Cytogenetic location: 1q24.2.
Variant type: single nucleotide variant.
Coding change: c.761C>T on transcript NM_152281.3 (MANE Select); coding-DNA position 761, C replaced by T.
Protein change: p.Thr254Met; replaces threonine 254 with methionine.
Molecular consequence: missense variant. On other transcripts: non-coding transcript variant (1).
Genome position (GRCh38, 1-based): chr1:170,552,113, C>T. VCF-style: chr1-170552113-C-T. GRCh37 (hg19) VCF-style: chr1-170521254-C-T.
Other names: c.296C>T, p.Thr99Met (NM_001320252.2); short protein forms T99M, T254M.
Identifiers: ClinVar variation 1356637 (VCV001356637.5), dbSNP rs200615427, ClinGen allele CA1239233.